The following is an entry in ClinVar:

NM_001966.4(EHHADH):c.1904T>C (p.Leu635Ser)

Gene: EHHADH (enoyl-CoA hydratase and 3-hydroxyacyl CoA dehydrogenase; minus strand). Cytogenetic location: 3q27.2.
Variant type: single nucleotide variant.
Coding change: c.1904T>C on transcript NM_001966.4 (MANE Select); coding-DNA position 1904, T replaced by C.
Protein change: p.Leu635Ser; replaces leucine 635 with serine.
Molecular consequence: missense variant.
Genome position (GRCh38, 1-based): chr3:185,192,494, A>G on the plus strand (T>C on the coding strand, the complement: EHHADH is on the minus strand). VCF-style: chr3-185192494-A-G. GRCh37 (hg19) VCF-style: chr3-184910282-A-G.
Other names: c.1616T>C, p.Leu539Ser (NM_001166415.2); short protein forms L539S, L635S.
Identifiers: ClinVar variation 4882111 (VCV004882111.2).

ClinVar aggregate classification (germline): Uncertain significance (1 of 4 stars; one submission).

gnomAD v4.1: 2 of 1,614,208 alleles (0.00012%); highest among the groups gnomAD compares: Admixed American, 0.0017%; no homozygotes.

Submission:

Dasa
Classification: Uncertain significance. Last evaluated: 2025-11-10. Review status: criteria provided, single submitter. Criteria: DASA Assertion Criteria. Collection method: clinical testing. Allele origin: germline.
Comment: NM_001966.4(EHHADH):c.1904T>C (p.Leu635Ser) is a missense variant that results in the substitution of leucine with serine. This variant is rare in population databases. Computational prediction algorithms are consistent with a deleterious effect. The currently available literature and clinical evidence are not sufficient to establish a definitive association between this variant and the reported condition. Therefore, this variant is classified as a variant of uncertain significance.